The following is an entry in ClinVar:

ClinVar aggregate classification (germline): Uncertain significance. Review status: criteria provided, multiple submitters, no conflicts (2 of 4 stars). 2 submissions from 2 submitters: Uncertain significance (2). Last evaluated 2025-09-28.

Conditions:
Primary familial hypertrophic cardiomyopathy (HCM). Identifiers: Orphanet 99739, MedGen C0949658, MeSH D024741, MONDO:0024573. Inheritance: Various modes of inheritance.

Allele frequency attached by ClinVar (database versions not stated): gnomAD 0.00001; ExAC 0.00003; TOPMed 0.00004; ESP Exome Variant Server 0.00008.
gnomAD v4.1: 11 of 1,613,990 alleles (0.00068%); highest among the groups gnomAD compares: African/African-American, 0.011%; no homozygotes.

Submissions (2):

Labcorp Genetics (formerly Invitae), Labcorp
Classification: Uncertain significance for Primary familial hypertrophic cardiomyopathy. Last evaluated: 2025-09-28. Review status: criteria provided, single submitter. Criteria: Invitae Variant Classification Sherloc (09022015). Collection method: clinical testing. Allele origin: germline.
Comment: This sequence change replaces threonine, which is neutral and polar, with isoleucine, which is neutral and non-polar, at codon 181 of the ILK protein (p.Thr181Ile). This variant is present in population databases (rs370953374, gnomAD 0.02%). This variant has not been reported in the literature in individuals affected with ILK-related conditions. ClinVar contains an entry for this variant (Variation ID: 2724531). An algorithm developed to predict the effect of missense changes on protein structure and function (PolyPhen-2) suggests that this variant is likely to be disruptive. In summary, the available evidence is currently insufficient to determine the role of this variant in disease. Therefore, it has been classified as a Variant of Uncertain Significance.

Ambry Genetics
Classification: Uncertain significance. Last evaluated: 2025-06-10. Review status: criteria provided, single submitter. Criteria: Ambry Variant Classification Scheme 2023. Collection method: clinical testing. Allele origin: germline.

NM_004517.4(ILK):c.542C>T (p.Thr181Ile)

Genes: ILK (integrin linked kinase; plus strand), TAF10 (TATA-box binding protein associated factor 10; minus strand). Cytogenetic location: 11p15.4.
Variant type: single nucleotide variant.
Coding change: c.542C>T on transcript NM_004517.4 (MANE Select); coding-DNA position 542, C replaced by T.
Protein change: p.Thr181Ile; replaces threonine 181 with isoleucine.
Molecular consequence: missense variant. On other transcripts: intron variant (1), 3 prime UTR variant (1).
Genome position (GRCh38, 1-based): chr11:6,609,080, C>T. VCF-style: chr11-6609080-C-T. GRCh37 (hg19) VCF-style: chr11-6630311-C-T.
Other names: c.435+113C>T (NM_001278441.2); c.542C>T, p.Thr181Ile (NM_001014795.3, NM_001014794.3); c.140C>T, p.Thr47Ile (NM_001278442.2); c.*1842G>A (NM_006284.4); short protein forms T181I, T47I.
Identifiers: ClinVar variation 2724531 (VCV002724531.4), dbSNP rs370953374, ClinGen allele CA5858101.
Genomic context (GRCh38, chr11:6,609,080, plus strand): 5'-TTGGGGCTGGGTTAGGGTGAAGCTGGGTACCTGACCTGCCCACACTCTTAGGAAATGGAA[C>T]CCTGAACAAACACTCTGGCATTGACTTCAAACAGCTTAACTTCCTGACGAAGCTCAACGA-3'
Protein context (NP_004508.1, residues 171-191): GTTRTRPRNG[Thr181Ile]LNKHSGIDFK